The following is an entry in ClinVar:

ClinVar aggregate classification (germline): Pathogenic (1 of 4 stars; one submission).

Allele frequency attached by ClinVar (database versions not stated): gnomAD exomes below 0.00001; gnomAD 0.00001.

Submission:

Labcorp Genetics (formerly Invitae), Labcorp
Classification: Pathogenic. Last evaluated: 2025-11-25. Review status: criteria provided, single submitter. Criteria: Invitae Variant Classification Sherloc (09022015). Collection method: clinical testing. Allele origin: germline.
Comment: This sequence change creates a premature translational stop signal (p.Gln339*) in the SI gene. It is expected to result in an absent or disrupted protein product. Loss-of-function variants in SI are known to be pathogenic (PMID: 16329100, 23103650, 25452324). This variant is present in population databases (no rsID available, gnomAD 0.0009%). This variant has not been reported in the literature in individuals affected with SI-related conditions. ClinVar contains an entry for this variant (Variation ID: 2973940). For these reasons, this variant has been classified as Pathogenic.

Literature cited by the submitters: PubMed 16329100; PubMed 23103650; PubMed 25452324.

NM_001041.4(SI):c.1015C>T (p.Gln339Ter)

Gene: SI (sucrase-isomaltase; minus strand). Cytogenetic location: 3q26.1.
Variant type: single nucleotide variant.
Coding change: c.1015C>T on transcript NM_001041.4 (MANE Select); coding-DNA position 1015, C replaced by T.
Protein change: p.Gln339Ter; replaces glutamine 339 with a stop codon.
Molecular consequence: nonsense.
Genome position (GRCh38, 1-based): chr3:165,062,376, G>A on the plus strand (C>T on the coding strand, the complement: SI is on the minus strand). VCF-style: chr3-165062376-G-A. GRCh37 (hg19) VCF-style: chr3-164780164-G-A.
Other names: short protein forms Q339*.
Identifiers: ClinVar variation 2973940 (VCV002973940.3), dbSNP rs1190732170, ClinGen allele CA355030950.